The following is an entry in ClinVar:

ClinVar aggregate classification (germline): Pathogenic (1 of 4 stars; one submission).

Submission:

Labcorp Genetics (formerly Invitae), Labcorp
Classification: Pathogenic. Last evaluated: 2019-12-03. Review status: criteria provided, single submitter. Criteria: Invitae Variant Classification Sherloc (09022015). Collection method: clinical testing. Allele origin: germline.
Comment: For these reasons, this variant has been classified as Pathogenic. Loss-of-function variants in CNGB3 are known to be pathogenic (PMID: 28795510). This variant has not been reported in the literature in individuals with CNGB3-related conditions. This variant is not present in population databases (ExAC no frequency). This sequence change creates a premature translational stop signal (p.Ile259Metfs*2) in the CNGB3 gene. It is expected to result in an absent or disrupted protein product.

Literature cited by the submitters: PubMed 28795510.

NM_019098.5(CNGB3):c.777_778del (p.Ile259fs)

Gene: CNGB3 (cyclic nucleotide gated channel subunit beta 3; minus strand). Cytogenetic location: 8q21.3.
Variant type: Microsatellite.
Coding change: c.777_778del on transcript NM_019098.5 (MANE Select); coding-DNA positions 777 to 778, 2 bases deleted (AT; older notation c.777_778delAT).
Protein change: p.Ile259fs; shifts the reading frame from isoleucine 259.
Molecular consequence: frameshift variant.
Genome position (GRCh38, 1-based): chr8:86,666,999-86,667,000, AT deleted on the plus strand (AT on the coding strand, the reverse complement: CNGB3 is on the minus strand); deleting any 2 consecutive bases within chr8:86,666,999-86,667,002 gives the same sequence; the c. name uses the placement nearest the transcript's 3' end. VCF-style (leftmost placement, unchanged base first): chr8-86666998-CAT-C. GRCh37 (hg19) VCF-style: chr8-87679226-CAT-C.
Other names: c.777_778del (NM_019098.4); short protein forms I259fs.
Identifiers: ClinVar variation 845860 (VCV000845860.7), dbSNP rs1823752421, ClinGen allele CA916083003.
Genomic context (GRCh38, chr8:86,666,998, plus strand): 5'-CCTCTTACAAACTGGAGTCTGGGCTGGATAAATAGCATATCATAAAGGTAGATGATATCA[CAT>C]ATGATGTCCGCAATAAGCCAGTAGTGTATGTTGTCTGCGGTTTGATATGGGAAGACGAGG-3'